The following is an entry in ClinVar:

NM_024675.4(PALB2):c.2528del (p.Glu843fs)

Gene: PALB2 (partner and localizer of BRCA2; minus strand). Cytogenetic location: 16p12.2.
Variant type: Deletion.
Coding change: c.2528del on transcript NM_024675.4 (MANE Select); coding-DNA position 2528, one base deleted (A; older notation c.2528delA).
Protein change: p.Glu843fs; shifts the reading frame from glutamic acid 843.
Molecular consequence: frameshift variant. On other transcripts: intron variant (1).
Genome position (GRCh38, 1-based): chr16:23,629,262, T deleted on the plus strand (A on the coding strand, the reverse complement: PALB2 is on the minus strand). VCF-style (leftmost placement, unchanged base first): chr16-23629261-CT-C. GRCh37 (hg19) VCF-style: chr16-23640582-CT-C.
Other names: c.2468del, p.Glu823fs (NM_001407296.1); c.2528del, p.Glu843fs (NM_001407298.1, NM_001407299.1, NM_001407300.1 and 2 more transcripts); c.1643del, p.Glu548fs (NM_001407304.1, NM_001407305.1, NM_001407306.1 and 5 more transcripts); c.740del, p.Glu247fs (NM_001407312.1, NM_001407313.1); c.62del, p.Glu21fs (NM_001407314.1); c.2528delA, p.Glu843Glyfs (NM_024675.3); c.2514+378del (NM_001407297.1); c.2528del (NM_024675.3); short protein forms E21fs, E247fs, E548fs, E823fs, E843fs.
Identifiers: ClinVar variation 2674112 (VCV002674112.3), dbSNP rs2506397575, ClinGen allele CA2695197454.

ClinVar aggregate classification (germline): Pathogenic/Likely pathogenic. Review status: criteria provided, multiple submitters, no conflicts (2 of 4 stars). 3 submissions from 3 submitters: Pathogenic (2); Likely pathogenic (1). Last evaluated 2025-09-02.

Conditions:
Hereditary cancer-predisposing syndrome. Also called: Tumor predisposition; Hereditary neoplastic syndrome; Neoplastic Syndromes, Hereditary; Hereditary Cancer Syndrome. Identifiers: Orphanet 140162, MedGen C0027672, MeSH D009386, MONDO:0015356.
Familial cancer of breast. Also called: Hereditary breast cancer; BREAST CANCER, FAMILIAL; hereditary breast carcinoma. Identifiers: Orphanet 227535, MedGen C0346153, MONDO:0016419, OMIM 114480. Disease mechanism: loss of function.

Submissions (3):

Ambry Genetics
Classification: Pathogenic for Hereditary cancer-predisposing syndrome. Last evaluated: 2025-09-02. Review status: criteria provided, single submitter. Criteria: Ambry Variant Classification Scheme 2023. Collection method: clinical testing. Allele origin: germline.
Comment: The c.2528delA pathogenic mutation, located in coding exon 6 of the PALB2 gene, results from a deletion of one nucleotide at nucleotide position 2528, causing a translational frameshift with a predicted alternate stop codon (p.E843Gfs*8). This variant is considered to be rare based on population cohorts in the Genome Aggregation Database (gnomAD). This alteration is expected to result in loss of function by premature protein truncation or nonsense-mediated mRNA decay. As such, this alteration is interpreted as a disease-causing mutation.

Quest Diagnostics Nichols Institute San Juan Capistrano
Classification: Likely pathogenic. Last evaluated: 2023-12-27. Review status: criteria provided, single submitter. Criteria: Quest Diagnostics criteria. Collection method: clinical testing. Allele origin: unknown.
Comment: The PALB2 c.2528del (p.Glu843Glyfs*8) variant alters the translational reading frame of the PALB2 mRNA and is predicted to cause the premature termination of PALB2 protein synthesis. This variant has not been reported in individuals with PALB2-related conditions in the published literature. This variant has not been reported in large, multi-ethnic general populations (Genome Aggregation Database). Based on the available information, this variant is classified as likely pathogenic.

Myriad Genetics, Inc.
Classification: Pathogenic for Familial cancer of breast. Last evaluated: 2023-09-13. Review status: criteria provided, single submitter. Criteria: Myriad Autosomal Dominant, Autosomal Recessive and X-Linked Classification Criteria (2023). Collection method: clinical testing. Allele origin: unknown.
Comment: This variant is considered pathogenic. This variant creates a frameshift predicted to result in premature protein truncation.